The following is an entry in ClinVar:

ClinVar aggregate classification (germline): Pathogenic (1 of 4 stars; one submission).

Allele frequency attached by ClinVar (database versions not stated): gnomAD exomes below 0.00001.

Submission:

CeGaT Center for Human Genetics Tuebingen
Classification: Pathogenic. Last evaluated: 2023-08-01. Review status: criteria provided, single submitter. Criteria: CeGaT Center For Human Genetics Tuebingen Variant Classification Criteria Version 2. Collection method: clinical testing. Allele origin: germline. Affected: yes. Observed: 1 variant allele.
Comment: LAMB2: PVS1, PM2

NM_002292.4(LAMB2):c.5260+1G>T

Gene: LAMB2 (laminin subunit beta 2; minus strand). Cytogenetic location: 3p21.31.
Variant type: single nucleotide variant.
Coding change: c.5260+1G>T on transcript NM_002292.4 (MANE Select); the canonical splice donor site of the intron after coding-DNA position 5260, G replaced by T.
Molecular consequence: splice donor variant.
Genome position (GRCh38, 1-based): chr3:49,121,432, C>A on the plus strand (G>T on the coding strand, the complement: LAMB2 is on the minus strand). VCF-style: chr3-49121432-C-A. GRCh37 (hg19) VCF-style: chr3-49158865-C-A.
Identifiers: ClinVar variation 2653825 (VCV002653825.24), dbSNP rs2472497493, ClinGen allele CA352679336.